The following is an entry in ClinVar:

ClinVar aggregate classification (germline): Benign (0 of 4 stars; one submission).

Conditions:
UACA-related disorder. Also called: UACA-related condition.

Allele frequency attached by ClinVar (database versions not stated): 1000 Genomes Project 30x 0.56777; 1000 Genomes Project 0.57169; TOPMed 0.63524; gnomAD 0.64230; ESP Exome Variant Server 0.64507; ExAC 0.70478; gnomAD exomes 0.75954.
gnomAD v4.1: 1,206,589 of 1,613,738 alleles (75%); highest among the groups gnomAD compares: Non-Finnish European, 79%; 460,451 homozygotes.

Submission:

PreventionGenetics, part of Exact Sciences
Classification: Benign for UACA-related condition. Last evaluated: 2019-10-17. Review status: no assertion criteria provided. Collection method: clinical testing. Allele origin: germline.
Comment: This variant is classified as benign based on ACMG/AMP sequence variant interpretation guidelines (Richards et al. 2015 PMID: 25741868, with internal and published modifications).

NM_018003.4(UACA):c.2955C>T (p.Tyr985=)

Gene: UACA (uveal autoantigen with coiled-coil domains and ankyrin repeats; minus strand). Cytogenetic location: 15q23.
Variant type: single nucleotide variant.
Coding change: c.2955C>T on transcript NM_018003.4 (MANE Select); coding-DNA position 2955, C replaced by T.
Protein change: p.Tyr985=; no amino-acid change (tyrosine 985 retained).
Molecular consequence: synonymous variant.
Genome position (GRCh38, 1-based): chr15:70,667,729, G>A on the plus strand (C>T on the coding strand, the complement: UACA is on the minus strand). VCF-style: chr15-70667729-G-A. GRCh37 (hg19) VCF-style: chr15-70960068-G-A.
Other names: c.2916C>T, p.Tyr972= (NM_001008224.3).
Identifiers: ClinVar variation 3059570 (VCV003059570.2), dbSNP rs934005, ClinGen allele CA7636917.